The following is an entry in ClinVar:

ClinVar aggregate classification (germline): Likely benign. Review status: criteria provided, multiple submitters, no conflicts (2 of 4 stars). 2 submissions from 2 submitters: Likely benign (2). Last evaluated 2026-01-05.

Conditions:
ABCB11-related disorder. Also called: ABCB11-related condition.

Submissions (2):

Labcorp Genetics (formerly Invitae), Labcorp
Classification: Likely benign. Last evaluated: 2026-01-05. Review status: criteria provided, single submitter. Criteria: Invitae Variant Classification Sherloc (09022015). Collection method: clinical testing. Allele origin: germline.

PreventionGenetics, part of Exact Sciences
Classification: Likely benign for ABCB11-related condition. Last evaluated: 2025-09-04. Review status: criteria provided, single submitter. Criteria: ACMG Guidelines, 2015. Collection method: clinical testing. Allele origin: germline.
Comment: This variant is classified as likely benign based on ACMG/AMP sequence variant interpretation guidelines (Richards et al. 2015 PMID: 25741868, with internal and published modifications).

NM_003742.4(ABCB11):c.585G>T (p.Val195=)

Gene: ABCB11 (ATP binding cassette subfamily B member 11; minus strand). Cytogenetic location: 2q31.1.
Variant type: single nucleotide variant.
Coding change: c.585G>T on transcript NM_003742.4 (MANE Select); coding-DNA position 585, G replaced by T.
Protein change: p.Val195=; no amino-acid change (valine 195 retained).
Molecular consequence: synonymous variant.
Genome position (GRCh38, 1-based): chr2:168,995,375, C>A on the plus strand (G>T on the coding strand, the complement: ABCB11 is on the minus strand). VCF-style: chr2-168995375-C-A. GRCh37 (hg19) VCF-style: chr2-169851885-C-A.
Other names: c.585G>T (NM_003742.2).
Identifiers: ClinVar variation 1119779 (VCV001119779.10), dbSNP rs11568365, ClinGen allele CA1951845.